The following is an entry in ClinVar:

ClinVar aggregate classification (germline): Uncertain significance (1 of 4 stars; one submission).

Allele frequency attached by ClinVar (database versions not stated): gnomAD exomes below 0.00001; TOPMed 0.00001.
gnomAD v4.1: 5 of 1,612,812 alleles (0.00031%); highest among the groups gnomAD compares: Admixed American, 0.0033%; no homozygotes.

Submission:

Labcorp Genetics (formerly Invitae), Labcorp
Classification: Uncertain significance. Last evaluated: 2023-12-23. Review status: criteria provided, single submitter. Criteria: Invitae Variant Classification Sherloc (09022015). Collection method: clinical testing. Allele origin: germline.
Comment: This sequence change replaces aspartic acid, which is acidic and polar, with glycine, which is neutral and non-polar, at codon 252 of the KRT74 protein (p.Asp252Gly). This variant is present in population databases (no rsID available, gnomAD 0.006%). This variant has not been reported in the literature in individuals affected with KRT74-related conditions. ClinVar contains an entry for this variant (Variation ID: 1946624). Advanced modeling of protein sequence and biophysical properties (such as structural, functional, and spatial information, amino acid conservation, physicochemical variation, residue mobility, and thermodynamic stability) performed at Invitae indicates that this missense variant is not expected to disrupt KRT74 protein function with a negative predictive value of 80%. In summary, the available evidence is currently insufficient to determine the role of this variant in disease. Therefore, it has been classified as a Variant of Uncertain Significance.

NM_175053.4(KRT74):c.755A>G (p.Asp252Gly)

Gene: KRT74 (keratin 74; minus strand). Cytogenetic location: 12q13.13.
Variant type: single nucleotide variant.
Coding change: c.755A>G on transcript NM_175053.4 (MANE Select); coding-DNA position 755, A replaced by G.
Protein change: p.Asp252Gly; replaces aspartic acid 252 with glycine.
Molecular consequence: missense variant.
Genome position (GRCh38, 1-based): chr12:52,571,447, T>C on the plus strand (A>G on the coding strand, the complement: KRT74 is on the minus strand). VCF-style: chr12-52571447-T-C. GRCh37 (hg19) VCF-style: chr12-52965231-T-C.
Other names: short protein forms D252G.
Identifiers: ClinVar variation 1946624 (VCV001946624.5), dbSNP rs983076346, ClinGen allele CA237264866.